The following is an entry in ClinVar:

NM_021930.6(RINT1):c.42+4A>G

Gene: RINT1 (RAD50 interactor 1; plus strand). Cytogenetic location: 7q22.3.
Variant type: single nucleotide variant.
Coding change: c.42+4A>G on transcript NM_021930.6 (MANE Select); 4 bases into the intron after coding-DNA position 42, A replaced by G.
Molecular consequence: intron variant.
Genome position (GRCh38, 1-based): chr7:105,532,361, A>G. VCF-style: chr7-105532361-A-G. GRCh37 (hg19) VCF-style: chr7-105172808-A-G.
Other names: c.-978+4A>G (NM_001346600.2); c.-881+4A>G (NM_001346601.2); c.-501+4A>G (NM_001346603.2); c.-56+4A>G (NM_001346599.2).
Identifiers: ClinVar variation 3314473 (VCV003314473.1).

ClinVar aggregate classification (germline): Uncertain significance (1 of 4 stars; one submission).

gnomAD v4.1: 1 of 1,601,450 alleles (0.000062%); highest among the groups gnomAD compares: African/African-American, 0.0013%; no homozygotes.

Submission:

Ambry Genetics
Classification: Uncertain significance. Last evaluated: 2024-06-05. Review status: criteria provided, single submitter. Criteria: Ambry Variant Classification Scheme 2023. Collection method: clinical testing. Allele origin: germline.
Comment: The c.42+4A>G intronic variant results from an A to G substitution 4 nucleotides after coding exon 1 in the RINT1 gene. This nucleotide position is well conserved in available vertebrate species. In silico splice site analysis for this alteration is inconclusive. The evidence for this gene-disease relationship is limited; therefore, the clinical significance of this alteration is unclear.